The following is an entry in ClinVar:

ClinVar aggregate classification (germline): Uncertain significance (1 of 4 stars; one submission).

Submission:

Dasa
Classification: Uncertain significance. Last evaluated: 2025-09-24. Review status: criteria provided, single submitter. Criteria: DASA Assertion Criteria. Collection method: clinical testing. Allele origin: germline.
Comment: NM_030662.4(MAP2K2):c.1083G>T (p.Lys361Asn) is a missense variant that results in the substitution of lysine with asparagine. This variant is rare in population databases. Computational prediction algorithms are consistent with a benign effect. The currently available literature and clinical evidence are not sufficient to establish a definitive association between this variant and the reported condition. Therefore, this variant is classified as a variant of uncertain significance.

NM_030662.4(MAP2K2):c.1083G>T (p.Lys361Asn)

Gene: MAP2K2 (mitogen-activated protein kinase kinase 2; minus strand). Cytogenetic location: 19p13.3.
Variant type: single nucleotide variant.
Coding change: c.1083G>T on transcript NM_030662.4 (MANE Select); coding-DNA position 1083, G replaced by T.
Protein change: p.Lys361Asn; replaces lysine 361 with asparagine.
Molecular consequence: missense variant.
Genome position (GRCh38, 1-based): chr19:4,094,462, C>A on the plus strand (G>T on the coding strand, the complement: MAP2K2 is on the minus strand). VCF-style: chr19-4094462-C-A. GRCh37 (hg19) VCF-style: chr19-4094460-C-A.
Other names: c.804G>T, p.Lys268Asn (NM_001440688.1); c.513G>T, p.Lys171Asn (NM_001440689.1); short protein forms K171N, K268N, K361N.
Identifiers: ClinVar variation 4886127 (VCV004886127.2).